The following is an entry in ClinVar:

ClinVar aggregate classification (germline): Uncertain significance (1 of 4 stars; one submission).

Allele frequency attached by ClinVar (database versions not stated): gnomAD exomes below 0.00001.
gnomAD v4.1: 2 of 1,613,996 alleles (0.00012%); highest among the groups gnomAD compares: South Asian, 0.0022%; no homozygotes.

Submission:

Labcorp Genetics (formerly Invitae), Labcorp
Classification: Uncertain significance. Last evaluated: 2022-03-31. Review status: criteria provided, single submitter. Criteria: Invitae Variant Classification Sherloc (09022015). Collection method: clinical testing. Allele origin: germline.
Comment: In summary, the available evidence is currently insufficient to determine the role of this variant in disease. Therefore, it has been classified as a Variant of Uncertain Significance. Algorithms developed to predict the effect of missense changes on protein structure and function (SIFT, PolyPhen-2, Align-GVGD) all suggest that this variant is likely to be tolerated. This variant has not been reported in the literature in individuals affected with ETV6-related conditions. This variant is not present in population databases (gnomAD no frequency). This sequence change replaces histidine, which is basic and polar, with arginine, which is basic and polar, at codon 170 of the ETV6 protein (p.His170Arg).

NM_001987.5(ETV6):c.509A>G (p.His170Arg)

Gene: ETV6 (ETS variant transcription factor 6; plus strand). Cytogenetic location: 12p13.2.
Variant type: single nucleotide variant.
Coding change: c.509A>G on transcript NM_001987.5 (MANE Select); coding-DNA position 509, A replaced by G.
Protein change: p.His170Arg; replaces histidine 170 with arginine.
Molecular consequence: missense variant.
Genome position (GRCh38, 1-based): chr12:11,869,469, A>G. VCF-style: chr12-11869469-A-G. GRCh37 (hg19) VCF-style: chr12-12022403-A-G.
Other names: c.506A>G, p.His169Arg (NM_001413913.1); c.482A>G, p.His161Arg (NM_001413914.1); c.245A>G, p.His82Arg (NM_001413915.1); c.509A>G, p.His170Arg (NM_001413916.1, NM_001413917.1); short protein forms H161R, H169R, H170R, H82R.
Identifiers: ClinVar variation 2120010 (VCV002120010.4), dbSNP rs2498077666, ClinGen allele CA384043377.
Genomic context (GRCh38, chr12:11,869,469, plus strand): 5'-CCCTCTGCTCCACAGATAACTGTGTCCAGAGGACCCCCAGGCCATCCGTGGATAATGTGC[A>G]CCATAACCCTCCCACCATTGAACTGTTGCACCGCTCCAGGTCACCTATCACGACAAATCA-3'
Protein context (NP_001978.1, residues 160-180): RTPRPSVDNV[His170Arg]HNPPTIELLH